The following is an entry in ClinVar:

NM_000141.5(FGFR2):c.1167C>G (p.Ala389=)

Gene: FGFR2 (fibroblast growth factor receptor 2; minus strand). Cytogenetic location: 10q26.13.
Variant type: single nucleotide variant.
Coding change: c.1167C>G on transcript NM_000141.5 (MANE Select); coding-DNA position 1167, C replaced by G.
Protein change: p.Ala389=; no amino-acid change (alanine 389 retained).
Molecular consequence: synonymous variant. On other transcripts: non-coding transcript variant (1), intron variant (1).
Genome position (GRCh38, 1-based): chr10:121,515,237, G>C on the plus strand (C>G on the coding strand, the complement: FGFR2 is on the minus strand). VCF-style: chr10-121515237-G-C. GRCh37 (hg19) VCF-style: chr10-123274751-G-C.
Other names: c.1170C>G, p.Ala390= (NM_001144913.1, NM_022970.4); c.831C>G, p.Ala277= (NM_001144914.1); c.900C>G, p.Ala300= (NM_001144915.2, NM_023029.3); c.822C>G, p.Ala274= (NM_001144916.2, NM_001144918.2); c.903C>G, p.Ala301= (NM_001144919.2); c.483C>G, p.Ala161= (NM_001320654.2); c.1167C>G, p.Ala389= (NM_001320658.2); c.939+4742C>G (NM_001144917.2).
Identifiers: ClinVar variation 877639 (VCV000877639.6), dbSNP rs757648006, ClinGen allele CA5720825.

ClinVar aggregate classification (germline): Conflicting classifications of pathogenicity. Review status: criteria provided, conflicting classifications (1 of 4 stars). 7 submissions from 3 submitters: Uncertain significance (5); Likely benign (2). Last evaluated 2026-06-10.

Conditions:
FGFR2-related craniosynostosis. Identifiers: MedGen CN231480.
Crouzon syndrome. Also called: Craniofacial dysostosis type 1; Crouzon craniofacial dysostosis; Crouzon disease; Craniofacial dysostosis; CRANIOFACIAL DYSOSTOSIS, TYPE I. Identifiers: Orphanet 207, MedGen C0010273, MeSH D003394, MONDO:0007405, OMIM 123500, HP:0004439.
Craniosynostosis syndrome. Also called: Craniosynostosis. Identifiers: Orphanet 1531, MedGen C0010278, MeSH D003398, MONDO:0015469, HP:0001363.
Saethre-Chotzen syndrome (SCS). Also called: ACROCEPHALY, SKULL ASYMMETRY, AND MILD SYNDACTYLY; ACS III; CHOTZEN SYNDROME. Identifiers: Orphanet 794, MedGen C0175699, MONDO:0007042, OMIM 101400.
Isolated Coronal Synostosis. Identifiers: MedGen CN043619.
FGFR2-related disorder. Identifiers: MedGen CN380096.
Beare-Stevenson cutis gyrata syndrome (BSTVS). Identifiers: Orphanet 1555, MedGen C1852406, MONDO:0007412, OMIM 123790.

Allele frequency attached by ClinVar (database versions not stated): gnomAD exomes below 0.00001 and 0.00001; ExAC 0.00001; gnomAD 0.00001.
gnomAD v4.1: 6 of 1,614,028 alleles (0.00037%); highest among the groups gnomAD compares: Admixed American, 0.0017%; no homozygotes.

Submissions (7):

PreventionGenetics, part of Exact Sciences
Classification: Likely benign for FGFR2-related condition. Last evaluated: 2026-06-10. Review status: criteria provided, single submitter. Criteria: ACMG Guidelines, 2015. Collection method: clinical testing. Allele origin: germline.
Comment: This variant is classified as likely benign based on ACMG/AMP sequence variant interpretation guidelines (Richards et al. 2015 PMID: 25741868, with internal and published modifications).

Labcorp Genetics (formerly Invitae), Labcorp
Classification: Likely benign for FGFR2-related craniosynostosis. Last evaluated: 2025-05-12. Review status: criteria provided, single submitter. Criteria: Invitae Variant Classification Sherloc (09022015). Collection method: clinical testing. Allele origin: germline.

Illumina Laboratory Services, Illumina
Classification: Uncertain significance for Craniosynostosis. Last evaluated: 2018-01-13. Review status: criteria provided, single submitter. Criteria: ICSL Variant Classification Criteria 13 December 2019. Collection method: clinical testing. Allele origin: germline.

Illumina Laboratory Services, Illumina
Classification: Uncertain significance for Beare-Stevenson cutis gyrata syndrome. Last evaluated: 2018-01-13. Review status: criteria provided, single submitter. Criteria: ICSL Variant Classification Criteria 13 December 2019. Collection method: clinical testing. Allele origin: germline.

Illumina Laboratory Services, Illumina
Classification: Uncertain significance for Crouzon syndrome. Last evaluated: 2018-01-13. Review status: criteria provided, single submitter. Criteria: ICSL Variant Classification Criteria 13 December 2019. Collection method: clinical testing. Allele origin: germline.

Illumina Laboratory Services, Illumina
Classification: Uncertain significance for Saethre-Chotzen syndrome. Last evaluated: 2018-01-13. Review status: criteria provided, single submitter. Criteria: ICSL Variant Classification Criteria 13 December 2019. Collection method: clinical testing. Allele origin: germline.

Illumina Laboratory Services, Illumina
Classification: Uncertain significance for Isolated coronal synostosis. Last evaluated: 2018-01-13. Review status: criteria provided, single submitter. Criteria: ICSL Variant Classification Criteria 13 December 2019. Collection method: clinical testing. Allele origin: germline.